The following is an entry in ClinVar:

NM_001692.4(ATP6V1B1):c.1489T>C (p.Phe497Leu)

Gene: ATP6V1B1 (ATPase H+ transporting V1 subunit B1; plus strand). Cytogenetic location: 2p13.3.
Variant type: single nucleotide variant.
Coding change: c.1489T>C on transcript NM_001692.4 (MANE Select); coding-DNA position 1489, T replaced by C.
Protein change: p.Phe497Leu; replaces phenylalanine 497 with leucine.
Molecular consequence: missense variant.
Genome position (GRCh38, 1-based): chr2:70,965,068, T>C. VCF-style: chr2-70965068-T-C. GRCh37 (hg19) VCF-style: chr2-71192198-T-C.
Other names: short protein forms F497L.
Identifiers: ClinVar variation 4686426 (VCV004686426.1).
Genomic context (GRCh38, chr2:70,965,068, plus strand): 5'-CTGCTGCGCATCTTCCCCAAGGAGATGCTGAAGCGCATTCCGCAGGCCGTGATCGACGAG[T>C]TCTATTCCCGCGAGGGGGCGCTGCAGGACCTCGCGCCTGACACTGCGCTCTAGCCCCGCG-3'
Protein context (NP_001683.2, residues 487-507): KRIPQAVIDE[Phe497Leu]YSREGALQDL

ClinVar aggregate classification (germline): Uncertain significance (1 of 4 stars; one submission).

gnomAD v4.1: 1 of 1,613,172 alleles (0.000062%); highest among the groups gnomAD compares: South Asian, 0.0011%; no homozygotes.

Submission:

GeneDx
Classification: Uncertain significance. Last evaluated: 2025-07-17. Review status: criteria provided, single submitter. Criteria: GeneDx Variant Classification Process June 2021. Collection method: clinical testing. Allele origin: germline. Affected: yes.
Comment: Not observed at significant frequency in large population cohorts (gnomAD); In silico analysis supports that this missense variant has a deleterious effect on protein structure/function; Has not been previously published as pathogenic or benign to our knowledge